The following is an entry in ClinVar:

ClinVar aggregate classification (germline): Pathogenic (1 of 4 stars; one submission).

Conditions:
Hereditary cancer-predisposing syndrome. Also called: Hereditary Cancer Syndrome; Hereditary neoplastic syndrome; Neoplastic Syndromes, Hereditary; Tumor predisposition. Identifiers: Orphanet 140162, MedGen C0027672, MeSH D009386, MONDO:0015356.

Submission:

Ambry Genetics
Classification: Pathogenic for Hereditary cancer-predisposing syndrome. Last evaluated: 2018-11-05. Review status: criteria provided, single submitter. Criteria: Ambry Variant Classification Scheme 2023. Collection method: clinical testing. Allele origin: germline.
Comment: The c.1355delA pathogenic mutation, located in coding exon 10 of the PTCH1 gene, results from a deletion of one nucleotide at nucleotide position 1355, causing a translational frameshift with a predicted alternate stop codon (p.Y452Lfs*4). This alteration is expected to result in loss of function by premature protein truncation or nonsense-mediated mRNA decay. As such, this alteration is interpreted as a disease-causing mutation.

NM_000264.5(PTCH1):c.1355del (p.Tyr452fs)

Gene: PTCH1 (patched 1; minus strand). Cytogenetic location: 9q22.32.
Variant type: Deletion.
Coding change: c.1355del on transcript NM_000264.5 (MANE Select); coding-DNA position 1355, one base deleted (A; older notation c.1355delA).
Protein change: p.Tyr452fs; shifts the reading frame from tyrosine 452.
Molecular consequence: frameshift variant. On other transcripts: non-coding transcript variant (1), intron variant (1).
Genome position (GRCh38, 1-based): chr9:95,477,695, T deleted on the plus strand (A on the coding strand, the reverse complement: PTCH1 is on the minus strand). VCF-style (leftmost placement, unchanged base first): chr9-95477694-AT-A. GRCh37 (hg19) VCF-style: chr9-98239976-AT-A.
Other names: c.1157del, p.Tyr386fs (NM_001083602.3); c.1352del, p.Tyr451fs (NM_001083603.3); c.902del, p.Tyr301fs (NM_001083604.3, NM_001083605.3, NM_001083606.3 and 1 more transcripts); c.1347+360del (NM_001354918.2); short protein forms Y386fs, Y301fs, Y451fs, Y452fs.
Identifiers: ClinVar variation 1770685 (VCV001770685.2), dbSNP rs2538206190, ClinGen allele CA2580080837.